The following is an entry in ClinVar:

NM_001007544.4(RHEX):c.228C>T (p.Asp76=)

Gene: RHEX (regulator of hemoglobinization and erythroid cell expansion; plus strand). Cytogenetic location: 1q32.1.
Variant type: single nucleotide variant.
Coding change: c.228C>T on transcript NM_001007544.4 (MANE Select); coding-DNA position 228, C replaced by T.
Protein change: p.Asp76=; no amino-acid change (aspartic acid 76 retained).
Molecular consequence: synonymous variant.
Genome position (GRCh38, 1-based): chr1:206,099,770, C>T. VCF-style: chr1-206099770-C-T. GRCh37 (hg19) VCF-style: chr1-206241561-G-A.
Other names: c.228C>T, p.Asp76= (NM_001369490.1).
Identifiers: ClinVar variation 3052809 (VCV003052809.2), dbSNP rs140623711, ClinGen allele CA1359659.

ClinVar aggregate classification (germline): Likely benign (0 of 4 stars; one submission).

Conditions:
RHEX-related disorder. Also called: RHEX-related condition.

Allele frequency attached by ClinVar (database versions not stated): gnomAD exomes 0.00007; ExAC 0.00026; gnomAD 0.00069; TOPMed 0.00089; ESP Exome Variant Server 0.00092; 1000 Genomes Project 0.00120; 1000 Genomes Project 30x 0.00141.
gnomAD v4.1: 210 of 1,614,052 alleles (0.013%); highest among the groups gnomAD compares: African/African-American, 0.24%; no homozygotes.

Submission:

PreventionGenetics, part of Exact Sciences
Classification: Likely benign for RHEX-related condition. Last evaluated: 2019-09-18. Review status: no assertion criteria provided. Collection method: clinical testing. Allele origin: germline.
Comment: This variant is classified as likely benign based on ACMG/AMP sequence variant interpretation guidelines (Richards et al. 2015 PMID: 25741868, with internal and published modifications).